The following is an entry in ClinVar:

ClinVar aggregate classification (germline): Uncertain significance (1 of 4 stars; one submission).

Conditions:
Severe combined immunodeficiency due to DNA-PKcs deficiency. Also called: IMMUNODEFICIENCY 26 WITH NEUROLOGIC ABNORMALITIES; Immunodeficiency 26 with or without neurologic abnormalities. Identifiers: Orphanet 317425, MedGen C4014833, MONDO:0014423, OMIM 615966.

Allele frequency attached by ClinVar (database versions not stated): gnomAD exomes 0.00001.
gnomAD v4.1: 7 of 1,598,158 alleles (0.00044%); highest among the groups gnomAD compares: Admixed American, 0.0017%; no homozygotes.

Submission:

Labcorp Genetics (formerly Invitae), Labcorp
Classification: Uncertain significance for Severe combined immunodeficiency due to DNA-PKcs deficiency. Last evaluated: 2024-10-16. Review status: criteria provided, single submitter. Criteria: Invitae Variant Classification Sherloc (09022015). Collection method: clinical testing. Allele origin: germline.
Comment: This sequence change replaces asparagine, which is neutral and polar, with serine, which is neutral and polar, at codon 74 of the PRKDC protein (p.Asn74Ser). The frequency data for this variant in the population databases is considered unreliable, as metrics indicate poor data quality at this position in the gnomAD database. This variant has not been reported in the literature in individuals affected with PRKDC-related conditions. ClinVar contains an entry for this variant (Variation ID: 1944341). Invitae Evidence Modeling of protein sequence and biophysical properties (such as structural, functional, and spatial information, amino acid conservation, physicochemical variation, residue mobility, and thermodynamic stability) indicates that this missense variant is not expected to disrupt PRKDC protein function with a negative predictive value of 80%. In summary, the available evidence is currently insufficient to determine the role of this variant in disease. Therefore, it has been classified as a Variant of Uncertain Significance.

NM_006904.7(PRKDC):c.221A>G (p.Asn74Ser)

Gene: PRKDC (protein kinase, DNA-activated, catalytic subunit; minus strand). Cytogenetic location: 8q11.21.
Variant type: single nucleotide variant.
Coding change: c.221A>G on transcript NM_006904.7 (MANE Select); coding-DNA position 221, A replaced by G.
Protein change: p.Asn74Ser; replaces asparagine 74 with serine.
Molecular consequence: missense variant.
Genome position (GRCh38, 1-based): chr8:47,957,365, T>C on the plus strand (A>G on the coding strand, the complement: PRKDC is on the minus strand). VCF-style: chr8-47957365-T-C. GRCh37 (hg19) VCF-style: chr8-48869925-T-C.
Other names: c.221A>G, p.Asn74Ser (NM_001081640.2); short protein forms N74S.
Identifiers: ClinVar variation 1944341 (VCV001944341.5), dbSNP rs1361521324, ClinGen allele CA371141436.
Genomic context (GRCh38, chr8:47,957,365, plus strand): 5'-AGTCACTCCAGGAATATACAAGAAAAGCAAAACCAAAATTGTCAACTTACTTCAATACTG[T>C]TGAGTGACTTCCGGACAAATACAAGCAAACCGAAATCTCTGGAAAAAACTAAAGATGTCT-3'
Protein context (NP_008835.5, residues 64-84): GLLVFVRKSL[Asn74Ser]SIEFRECREE